The following is an entry in ClinVar:

ClinVar aggregate classification (germline): Uncertain significance (1 of 4 stars; one submission).

Allele frequency attached by ClinVar (database versions not stated): gnomAD exomes below 0.00001.
gnomAD v4.1: 1 of 1,614,196 alleles (0.000062%); highest among the groups gnomAD compares: Non-Finnish European, 0.000085%; no homozygotes.

Submission:

Ambry Genetics
Classification: Uncertain significance. Last evaluated: 2024-10-12. Review status: criteria provided, single submitter. Criteria: Ambry Variant Classification Scheme 2023. Collection method: clinical testing. Allele origin: germline.
Comment: The p.A173T variant (also known as c.517G>A), located in coding exon 1 of the PALLD gene, results from a G to A substitution at nucleotide position 517. The alanine at codon 173 is replaced by threonine, an amino acid with similar properties. This amino acid position is conserved. In addition, the in silico prediction for this alteration is inconclusive. Since supporting evidence is limited at this time, the clinical significance of this alteration remains unclear.

NM_001166108.2(PALLD):c.517G>A (p.Ala173Thr)

Gene: PALLD (palladin, cytoskeletal associated protein; plus strand). Cytogenetic location: 4q32.3.
Variant type: single nucleotide variant.
Coding change: c.517G>A on transcript NM_001166108.2 (MANE Select); coding-DNA position 517, G replaced by A.
Protein change: p.Ala173Thr; replaces alanine 173 with threonine.
Molecular consequence: missense variant.
Genome position (GRCh38, 1-based): chr4:168,512,021, G>A. VCF-style: chr4-168512021-G-A. GRCh37 (hg19) VCF-style: chr4-169433172-G-A.
Other names: c.517G>A, p.Ala173Thr (NM_016081.4); short protein forms A173T.
Identifiers: ClinVar variation 1745848 (VCV001745848.3), dbSNP rs1339982343, ClinGen allele CA358726198.
Genomic context (GRCh38, chr4:168,512,021, plus strand): 5'-AAGCCCAAAACGCCACATCAAAGAAAGGGTGGCCCCCAGAGCCAGCTGTGTGACAAGGCA[G>A]CTAATTTAATTGAGGAGCTAACATCCATATTTAAAGCCGCAAAGCCAAGAAACAGAAGCC-3'
Protein context (NP_001159580.1, residues 163-183): GPQSQLCDKA[Ala173Thr]NLIEELTSIF